The following is an entry in ClinVar:

ClinVar aggregate classification (germline): Uncertain significance. Review status: criteria provided, multiple submitters, no conflicts (2 of 4 stars). 2 submissions from 2 submitters: Uncertain significance (2). Last evaluated 2025-12-22.

Conditions:
Cryopyrin associated periodic syndrome (CAPS). Identifiers: Orphanet 208650, MedGen C2316212, MONDO:0016168.

Allele frequency attached by ClinVar (database versions not stated): TOPMed 0.00001; ESP Exome Variant Server 0.00008.
gnomAD v4.1: 12 of 1,612,382 alleles (0.00074%); highest among the groups gnomAD compares: East Asian, 0.0022%; no homozygotes.

Submissions (2):

Labcorp Genetics (formerly Invitae), Labcorp
Classification: Uncertain significance for Cryopyrin associated periodic syndrome. Last evaluated: 2025-12-22. Review status: criteria provided, single submitter. Criteria: Invitae Variant Classification Sherloc (09022015). Collection method: clinical testing. Allele origin: germline.
Comment: This sequence change replaces arginine, which is basic and polar, with cysteine, which is neutral and slightly polar, at codon 100 of the NLRP3 protein (p.Arg100Cys). This variant is present in population databases (rs375013904, gnomAD 0.006%). This variant has not been reported in the literature in individuals affected with NLRP3-related conditions. ClinVar contains an entry for this variant (Variation ID: 234576). An algorithm developed to predict the effect of missense changes on protein structure and function outputs the following: PolyPhen-2: "Benign". The cysteine amino acid residue is found in multiple mammalian species, which suggests that this missense change does not adversely affect protein function. In summary, the available evidence is currently insufficient to determine the role of this variant in disease. Therefore, it has been classified as a Variant of Uncertain Significance.

GeneDx
Classification: Uncertain significance. Last evaluated: 2015-11-04. Review status: criteria provided, single submitter. Criteria: GeneDx Variant Classification (06012015). Collection method: clinical testing. Allele origin: germline. Affected: yes.
Comment: To our knowledge, the R100C variant has not been published as a pathogenic variant, nor has it been reported as a benign variant. It was observed at a frequency of .01%, 1/8600 alleles, in individuals of European American ancestry by the NHLBI Exome Sequencing Project. The R100C variant is a non-conservative amino acid substitution, which is likely to impact secondary protein structure as these residues differ in polarity, charge, size and/or other properties. However, this substitution occurs at a position that is not conserved and in silico analysis predicts this variant likely does not alter the protein structure/function. Therefore, based on the currently available information, it is unclear whether this variant is a pathogenic variant or a rare benign variant.

NM_001243133.2(NLRP3):c.292C>T (p.Arg98Cys)

Gene: NLRP3 (NLR family pyrin domain containing 3; plus strand). Cytogenetic location: 1q44.
Variant type: single nucleotide variant.
Coding change: c.292C>T on transcript NM_001243133.2 (MANE Select); coding-DNA position 292, C replaced by T.
Protein change: p.Arg98Cys; replaces arginine 98 with cysteine.
Molecular consequence: missense variant.
Genome position (GRCh38, 1-based): chr1:247,423,244, C>T. VCF-style: chr1-247423244-C-T. GRCh37 (hg19) VCF-style: chr1-247586546-C-T.
Other names: c.292C>T, p.Arg98Cys (NM_001079821.3, NM_001127461.3, NM_001127462.3 and 1 more transcripts); c.298C>T, p.Arg100Cys (NM_004895.5); short protein forms R100C, R98C.
Identifiers: ClinVar variation 234576 (VCV000234576.5), dbSNP rs375013904, ClinGen allele CA10577230.
Genomic context (GRCh38, chr1:247,423,244, plus strand): 5'-CTGTGATAATAGTTCTGGGTTTTGACACCTTTTTTTTCCCTTTTAGGTTCAGATAATGCA[C>T]GTGTTTCGAATCCCACTGTGATATGCCAGGAAGACAGCATTGAAGAGGAGTGGATGGGTT-3'
Protein context (NP_001230062.1, residues 88-108): DEPKWGSDNA[Arg98Cys]VSNPTVICQE